The following is an entry in ClinVar:

ClinVar aggregate classification (germline): Uncertain significance (1 of 4 stars; one submission).

Submission:

Labcorp Genetics (formerly Invitae), Labcorp
Classification: Uncertain significance. Last evaluated: 2022-07-01. Review status: criteria provided, single submitter. Criteria: Invitae Variant Classification Sherloc (09022015). Collection method: clinical testing. Allele origin: germline.
Comment: In summary, the available evidence is currently insufficient to determine the role of this variant in disease. Therefore, it has been classified as a Variant of Uncertain Significance. Variants that disrupt the consensus splice site are a relatively common cause of aberrant splicing (PMID: 17576681, 9536098). Algorithms developed to predict the effect of sequence changes on RNA splicing suggest that this variant may create or strengthen a splice site. This variant has not been reported in the literature in individuals affected with PHIP-related conditions. This variant is not present in population databases (gnomAD no frequency). This sequence change falls in intron 16 of the PHIP gene. It does not directly change the encoded amino acid sequence of the PHIP protein. It affects a nucleotide within the consensus splice site.

Literature cited by the submitters: PubMed 17576681; PubMed 9536098.

NM_017934.7(PHIP):c.1653+3A>T

Gene: PHIP (PHIP subunit of CUL4-Ring ligase complex; minus strand). Cytogenetic location: 6q14.1.
Variant type: single nucleotide variant.
Coding change: c.1653+3A>T on transcript NM_017934.7 (MANE Select); 3 bases into the intron after coding-DNA position 1653, A replaced by T.
Molecular consequence: intron variant.
Genome position (GRCh38, 1-based): chr6:79,003,727, T>A on the plus strand (A>T on the coding strand, the complement: PHIP is on the minus strand). VCF-style: chr6-79003727-T-A. GRCh37 (hg19) VCF-style: chr6-79713444-T-A.
Identifiers: ClinVar variation 2091753 (VCV002091753.4), dbSNP rs1770138215, ClinGen allele CA1640401586.
Genomic context (GRCh38, chr6:79,003,727, plus strand): 5'-ATACAACCCCTAAACATGCATTAAAAAAAAATAAGGACATGATATATAGTCATCATACTC[T>A]ACCTTGTCATATTTGCTACTGGACCCAAAGCCAAAAATTAAAAGATGTCCATGAGAGTCT-3'